The following is an entry in ClinVar:

ClinVar aggregate classification (germline): Uncertain significance (1 of 4 stars; one submission).

Conditions:
Deafness-lymphedema-leukemia syndrome. Also called: Lymphedema, primary, with myelodysplasia; Emberger syndrome. Identifiers: Orphanet 3226, MedGen C3279664, MONDO:0013540, OMIM 614038.
Monocytopenia with susceptibility to infections. Also called: MONOCYTOPENIA AND MYCOBACTERIAL INFECTION SYNDROME; MONOCYTOPENIA WITH SUSCEPTIBILITY TO MYCOBACTERIAL, FUNGAL, AND PAPILLOMAVIRUS INFECTIONS AND MYELODYSPLASIA; COMBINED IMMUNODEFICIENCY WITH SUSCEPTIBILITY TO MYCOBACTERIAL, VIRAL, AND FUNGAL INFECTIONS; Dendritic cell, monocyte, B lymphocyte, and natural killer lymphocyte deficiency; IMMUNODEFICIENCY 21; GATA2 DEFICIENCY. Identifiers: Orphanet 228423, MedGen C3280030, MONDO:0013607, OMIM 614172.

Submission:

Labcorp Genetics (formerly Invitae), Labcorp
Classification: Uncertain significance for Monocytopenia with susceptibility to infections; Deafness-lymphedema-leukemia syndrome. Last evaluated: 2021-08-31. Review status: criteria provided, single submitter. Criteria: Invitae Variant Classification Sherloc (09022015). Collection method: clinical testing. Allele origin: germline.
Comment: In summary, the available evidence is currently insufficient to determine the role of this variant in disease. Therefore, it has been classified as a Variant of Uncertain Significance. This sequence change replaces valine with glutamic acid at codon 156 of the GATA2 protein (p.Val156Glu). The valine residue is weakly conserved and there is a moderate physicochemical difference between valine and glutamic acid. This variant is not present in population databases (ExAC no frequency). This variant has not been reported in the literature in individuals affected with GATA2-related conditions. Advanced modeling of protein sequence and biophysical properties (such as structural, functional, and spatial information, amino acid conservation, physicochemical variation, residue mobility, and thermodynamic stability) performed at Invitae indicates that this missense variant is not expected to disrupt GATA2 protein function.

NM_032638.5(GATA2):c.467T>A (p.Val156Glu)

Gene: GATA2 (GATA binding protein 2; minus strand). Cytogenetic location: 3q21.3.
Variant type: single nucleotide variant.
Coding change: c.467T>A on transcript NM_032638.5 (MANE Select); coding-DNA position 467, T replaced by A.
Protein change: p.Val156Glu; replaces valine 156 with glutamic acid.
Molecular consequence: missense variant.
Genome position (GRCh38, 1-based): chr3:128,486,131, A>T on the plus strand (T>A on the coding strand, the complement: GATA2 is on the minus strand). VCF-style: chr3-128486131-A-T. GRCh37 (hg19) VCF-style: chr3-128204974-A-T.
Other names: c.467T>A, p.Val156Glu (NM_001145661.2, NM_001145662.1); short protein forms V156E.
Identifiers: ClinVar variation 1525544 (VCV001525544.6), dbSNP rs2107672592, ClinGen allele CA354406693.